The following is an entry in ClinVar:

ClinVar aggregate classification (germline): Uncertain significance (1 of 4 stars; one submission).

Submission:

Labcorp Genetics (formerly Invitae), Labcorp
Classification: Uncertain significance. Last evaluated: 2025-12-29. Review status: criteria provided, single submitter. Criteria: Invitae Variant Classification Sherloc (09022015). Collection method: clinical testing. Allele origin: germline.
Comment: This sequence change falls in intron 7 of the MYH3 gene. It does not directly change the encoded amino acid sequence of the MYH3 protein. This variant is not present in population databases (gnomAD no frequency). This variant has not been reported in the literature in individuals affected with MYH3-related conditions. Algorithms developed to predict the effect of sequence changes on RNA splicing suggest that this variant may create or strengthen a splice site. In summary, the available evidence is currently insufficient to determine the role of this variant in disease. Therefore, it has been classified as a Variant of Uncertain Significance.

NM_002470.4(MYH3):c.642+17A>T

Gene: MYH3 (myosin heavy chain 3; minus strand). Cytogenetic location: 17p13.1.
Variant type: single nucleotide variant.
Coding change: c.642+17A>T on transcript NM_002470.4 (MANE Select); 17 bases into the intron after coding-DNA position 642, A replaced by T.
Molecular consequence: intron variant.
Genome position (GRCh38, 1-based): chr17:10,649,560, T>A on the plus strand (A>T on the coding strand, the complement: MYH3 is on the minus strand). VCF-style: chr17-10649560-T-A. GRCh37 (hg19) VCF-style: chr17-10552877-T-A.
Identifiers: ClinVar variation 4733846 (VCV004733846.1).